The following is an entry in ClinVar:

ClinVar aggregate classification (germline): Benign. Review status: criteria provided, multiple submitters, no conflicts (2 of 4 stars). 2 submissions from 2 submitters: Benign (2). Last evaluated 2018-06-14.

Allele frequency attached by ClinVar (database versions not stated): gnomAD exomes 0.00753 and 0.01279; ExAC 0.01534; gnomAD 0.02447 and 0.02474; ESP Exome Variant Server 0.02507; TOPMed 0.02669; 1000 Genomes Project 0.03994; 1000 Genomes Project 30x 0.04076.
gnomAD v4.1: 14,441 of 1,556,634 alleles (0.93%); highest among the groups gnomAD compares: African/African-American, 7.7%; 465 homozygotes.

Submissions (2):

GeneDx
Classification: Benign. Last evaluated: 2018-06-14. Review status: criteria provided, single submitter. Criteria: GeneDx Variant Classification (06012015). Collection method: clinical testing. Allele origin: germline. Affected: yes.
Comment: This variant is considered likely benign or benign based on one or more of the following criteria: it is a conservative change, it occurs at a poorly conserved position in the protein, it is predicted to be benign by multiple in silico algorithms, and/or has population frequency not consistent with disease.

Breakthrough Genomics
Classification: Benign. Review status: criteria provided, single submitter. Criteria: ACMG Guidelines, 2015. Collection method: not provided. Allele origin: germline. Inheritance: Autosomal recessive inheritance. Affected: yes.

NM_032634.4(PIGO):c.2648-51A>G

Gene: PIGO (phosphatidylinositol glycan anchor biosynthesis class O; minus strand). Cytogenetic location: 9p13.3.
Variant type: single nucleotide variant.
Coding change: c.2648-51A>G on transcript NM_032634.4 (MANE Select); 51 bases into the intron before coding-DNA position 2648, A replaced by G.
Molecular consequence: intron variant.
Genome position (GRCh38, 1-based): chr9:35,090,723, T>C on the plus strand (A>G on the coding strand, the complement: PIGO is on the minus strand). VCF-style: chr9-35090723-T-C. GRCh37 (hg19) VCF-style: chr9-35090720-T-C.
Other names: c.1397-51A>G (NM_152850.4, NM_001201484.2).
Identifiers: ClinVar variation 672893 (VCV000672893.2), dbSNP rs12006467, ClinGen allele CA5040377.
Genomic context (GRCh38, chr9:35,090,723, plus strand): 5'-GTAAAAGGACCTGGAAGAAAAGATATGCCACGTTACAGTCACTTCTTATTCCCTAATCCA[T>C]AGGCTACTGCTCCACAATCATATACTCCTACTACTTCAGTATCAATTCTCATACACACTC-3'